The following is an entry in ClinVar:

NM_000400.4(ERCC2):c.1066G>C (p.Ala356Pro)

Gene: ERCC2 (ERCC excision repair 2, TFIIH core complex helicase subunit; minus strand). Cytogenetic location: 19q13.32.
Variant type: single nucleotide variant.
Coding change: c.1066G>C on transcript NM_000400.4 (MANE Select); coding-DNA position 1066, G replaced by C.
Protein change: p.Ala356Pro; replaces alanine 356 with proline.
Molecular consequence: missense variant.
Genome position (GRCh38, 1-based): chr19:45,363,795, C>G on the plus strand (G>C on the coding strand, the complement: ERCC2 is on the minus strand). VCF-style: chr19-45363795-C-G. GRCh37 (hg19) VCF-style: chr19-45867053-C-G.
Other names: c.994G>C, p.Ala332Pro (NM_001130867.2); short protein forms A332P, A356P.
Identifiers: ClinVar variation 2624815 (VCV002624815.2), dbSNP rs1285451320, ClinGen allele CA406372336.

ClinVar aggregate classification (germline): Uncertain significance (1 of 4 stars; one submission).

Conditions:
Inborn genetic diseases. Identifiers: MedGen C0950123, MeSH D030342.

Submission:

Ambry Genetics
Classification: Uncertain significance for Inborn genetic diseases. Last evaluated: 2023-07-29. Review status: criteria provided, single submitter. Criteria: Ambry Variant Classification Scheme 2023. Collection method: clinical testing. Allele origin: germline.
Comment: The p.A356P variant (also known as c.1066G>C), located in coding exon 11 of the ERCC2 gene, results from a G to C substitution at nucleotide position 1066. The alanine at codon 356 is replaced by proline, an amino acid with highly similar properties. This amino acid position is conserved. In addition, the in silico prediction for this alteration is inconclusive. Since supporting evidence is limited at this time, the clinical significance of this alteration remains unclear.